The following is an entry in ClinVar:

NM_000368.5(TSC1):c.1059T>C (p.Cys353=)

Gene: TSC1 (TSC complex subunit 1; minus strand). Cytogenetic location: 9q34.13.
Variant type: single nucleotide variant.
Coding change: c.1059T>C on transcript NM_000368.5 (MANE Select); coding-DNA position 1059, T replaced by C.
Protein change: p.Cys353=; no amino-acid change (cysteine 353 retained).
Molecular consequence: synonymous variant.
Genome position (GRCh38, 1-based): chr9:132,911,084, A>G on the plus strand (T>C on the coding strand, the complement: TSC1 is on the minus strand). VCF-style: chr9-132911084-A-G. GRCh37 (hg19) VCF-style: chr9-135786471-A-G.
Other names: c.1059T>C, p.Cys353= (NM_001162426.2); c.906T>C, p.Cys302= (NM_001162427.2); c.696T>C, p.Cys232= (NM_001362177.2).
Identifiers: ClinVar variation 795034 (VCV000795034.17), dbSNP rs1216537041, ClinGen allele CA467593367.
Genomic context (GRCh38, chr9:132,911,084, plus strand): 5'-GTAAGGGTGTGACAGATCAGGTGGGACATTTCCAGGAGAAGTTGGAGGAGTGGTCATACC[A>G]CAAACCATAGATGGGCTCCAAAGAGTAGCCTGGGAAGTTAATAAAGTACATCAGCAGTGG-3'
Protein context (NP_000359.1, residues 343-363): QATLWSPSMV[Cys353=]GMTTPPTSPG

ClinVar aggregate classification (germline): Conflicting classifications of pathogenicity. Review status: criteria provided, conflicting classifications (1 of 4 stars). 6 submissions from 6 submitters: Uncertain significance (2); Benign (1); Likely benign (3). Last evaluated 2025-04-09.

Conditions:
Hereditary cancer-predisposing syndrome. Also called: Neoplastic Syndromes, Hereditary; Hereditary Cancer Syndrome; Tumor predisposition; Hereditary neoplastic syndrome. Identifiers: Orphanet 140162, MedGen C0027672, MeSH D009386, MONDO:0015356.
Lymphangiomyomatosis (LAM). Also called: Lymphangioleiomyomatosis, somatic; Lymphangioleiomyomatosis. Identifiers: Orphanet 538, MedGen C0751674, MONDO:0011705, OMIM 606690.
Tuberous sclerosis 1 (TSC1). Identifiers: Orphanet 805, MedGen C1854465, MONDO:0008612, OMIM 191100.
Isolated focal cortical dysplasia type II (FCORD2). Also called: CORTICAL DYSPLASIA OF TAYLOR; Focal cortical dysplasia type II. Identifiers: Orphanet 268994, MedGen C1846385, MONDO:0011818, OMIM 607341, HP:0032051.

Allele frequency attached by ClinVar (database versions not stated): gnomAD exomes below 0.00001 and 0.00001; TOPMed below 0.00001.
gnomAD v4.1: 2 of 1,614,228 alleles (0.00012%); highest among the groups gnomAD compares: Admixed American, 0.0033%; no homozygotes.

Submissions (6):

Myriad Genetics, Inc.
Classification: Benign for Tuberous sclerosis 1. Last evaluated: 2025-04-09. Review status: criteria provided, single submitter. Criteria: Myriad Autosomal Dominant, Autosomal Recessive and X-Linked Classification Criteria (2023). Collection method: clinical testing. Allele origin: unknown.
Comment: This variant is considered benign. This variant is a silent/synonymous amino acid change and it is not expected to impact splicing.

Labcorp Genetics (formerly Invitae), Labcorp
Classification: Likely benign for Tuberous sclerosis 1. Last evaluated: 2025-03-16. Review status: criteria provided, single submitter. Criteria: Invitae Variant Classification Sherloc (09022015). Collection method: clinical testing. Allele origin: germline.

Quest Diagnostics Nichols Institute San Juan Capistrano
Classification: Uncertain significance. Last evaluated: 2024-10-17. Review status: criteria provided, single submitter. Criteria: Quest Diagnostics criteria. Collection method: clinical testing. Allele origin: unknown.
Comment: The TSC1 c.1059T>C (p.Cys353=) synonymous variant has not been reported in individuals with TSC1-related conditions in the published literature. The frequency of this variant in the general population, 0.000008 (2/251324 chromosomes (Genome Aggregation Database)), is uninformative in the assessment of its pathogenicity. Analysis of this variant using software algorithms for the prediction of the effect of nucleotide changes on splicing yielded predictions that this variant does not affect TSC1 mRNA splicing. Based on the available information, we are unable to determine the clinical significance of this variant.

Fulgent Genetics
Classification: Uncertain significance for Tuberous sclerosis 1; Lymphangiomyomatosis; Isolated focal cortical dysplasia type II. Last evaluated: 2024-01-03. Review status: criteria provided, single submitter. Criteria: ACMG Guidelines, 2015. Collection method: clinical testing. Allele origin: germline.

Ambry Genetics
Classification: Likely benign for Hereditary cancer-predisposing syndrome. Last evaluated: 2022-09-24. Review status: criteria provided, single submitter. Criteria: Ambry Variant Classification Scheme 2023. Collection method: clinical testing. Allele origin: germline.

Women's Health and Genetics/Laboratory Corporation of America, LabCorp
Classification: Likely benign. Last evaluated: 2022-05-19. Review status: criteria provided, single submitter. Criteria: LabCorp Variant Classification Summary - May 2015. Collection method: clinical testing. Allele origin: germline.